The following is an entry in ClinVar:

NM_001365536.1(SCN9A):c.3509T>C (p.Ile1170Thr)

Genes: SCN1A-AS1 (SCN1A and SCN9A antisense RNA 1; plus strand), SCN9A (sodium voltage-gated channel alpha subunit 9; minus strand). Cytogenetic location: 2q24.3.
Variant type: single nucleotide variant.
Coding change: c.3509T>C on transcript NM_001365536.1 (MANE Select); coding-DNA position 3509, T replaced by C.
Protein change: p.Ile1170Thr; replaces isoleucine 1170 with threonine.
Molecular consequence: missense variant.
Genome position (GRCh38, 1-based): chr2:166,242,620, A>G on the plus strand (T>C on the coding strand, the complement: SCN9A is on the minus strand). VCF-style: chr2-166242620-A-G. GRCh37 (hg19) VCF-style: chr2-167099130-A-G.
Other names: c.3476T>C, p.Ile1159Thr (NM_002977.4); short protein forms I1159T, I1170T.
Identifiers: ClinVar variation 130263 (VCV000130263.30), dbSNP rs73019664, ClinGen allele CA231500.

ClinVar aggregate classification (germline): Conflicting classifications of pathogenicity. Review status: criteria provided, conflicting classifications (1 of 4 stars). 8 submissions from 8 submitters: Uncertain significance (4); Likely benign (3). 1 of the submissions does not count toward it. Last evaluated 2026-01-18.

Conditions:
SCN9A-related disorder. Also called: SCN9A-related disorders; SCN9A-related condition.
Neuropathy, hereditary sensory and autonomic, type 2A (HSAN2A). Also called: ACROOSTEOLYSIS, GIACCAI TYPE; ACROOSTEOLYSIS, NEUROGENIC; WNK1-Related HSAN2 (HSAN2A); HSAN IIA; MORVAN DISEASE; NEUROPATHY, CONGENITAL SENSORY. Identifiers: Orphanet 970, MedGen C2752089, MONDO:0024309, OMIM 201300.
Generalized epilepsy with febrile seizures plus, type 7 (GEFSP7). Also called: GEFS+, TYPE 7. Identifiers: Orphanet 36387, MedGen C2751778, MONDO:0013470, OMIM 613863.
Inborn genetic diseases. Identifiers: MedGen C0950123, MeSH D030342.

Allele frequency attached by ClinVar (database versions not stated): gnomAD exomes 0.00014 and 0.00040; ExAC 0.00067; ESP Exome Variant Server 0.00091; TOPMed 0.00120; gnomAD 0.00124 and 0.00128; 1000 Genomes Project 0.00160; 1000 Genomes Project 30x 0.00187.
gnomAD v4.1: 398 of 1,553,390 alleles (0.026%); highest among the groups gnomAD compares: African/African-American, 0.38%; 1 homozygote.

Submissions (8):

Labcorp Genetics (formerly Invitae), Labcorp
Classification: Likely benign for Neuropathy, hereditary sensory and autonomic, type 2A; Generalized epilepsy with febrile seizures plus, type 7. Last evaluated: 2026-01-18. Review status: criteria provided, single submitter. Criteria: Invitae Variant Classification Sherloc (09022015). Collection method: clinical testing. Allele origin: germline.

Women's Health and Genetics/Laboratory Corporation of America, LabCorp
Classification: Uncertain significance. Last evaluated: 2023-10-26. Review status: criteria provided, single submitter. Criteria: LabCorp Variant Classification Summary - May 2015. Collection method: clinical testing. Allele origin: germline.
Comment: Variant summary: SCN9A c.3476T>C (p.Ile1159Thr) results in a non-conservative amino acid change located in the Sodium ion transport-associated domain (IPR010526) of the encoded protein sequence. Four of five in-silico tools predict a benign effect of the variant on protein function. The variant allele was found at a frequency of 0.0004 in 161404 control chromosomes (gnomAD). c.3476T>C has been reported in the literature in an individual(s) affected with clinically-suspected neuropathy without strong evidence of causality (Antoniadi_2015). This report does not provide unequivocal conclusions about association of the variant with Primary Erythromelalgia. To our knowledge, no experimental evidence demonstrating an impact on protein function has been reported. The following publication has been ascertained in the context of this evaluation (PMID: 26392352). Five submitters have cited clinical-significance assessments for this variant to ClinVar after 2014, and classified it as likely benign (n=3) or uncertain significance (n=2). Based on the evidence outlined above, the variant was classified as uncertain significance.

Ambry Genetics
Classification: Likely benign for Inborn genetic diseases. Last evaluated: 2020-01-16. Review status: criteria provided, single submitter. Criteria: Ambry Variant Classification Scheme 2023. Collection method: clinical testing. Allele origin: germline.

GeneDx
Classification: Likely benign. Last evaluated: 2019-12-11. Review status: criteria provided, single submitter. Criteria: GeneDx Variant Classification Process June 2021. Collection method: clinical testing. Allele origin: germline. Affected: yes.

Eurofins Ntd Llc (ga)
Classification: Uncertain significance. Last evaluated: 2018-06-11. Review status: criteria provided, single submitter. Criteria: EGL ClinVar v180209 classification definitions. Collection method: clinical testing. Allele origin: germline. Observed: 2 variant alleles, 2 heterozygotes.

Athena Diagnostics
Classification: Uncertain significance. Last evaluated: 2017-03-29. Review status: criteria provided, single submitter. Criteria: Athena Diagnostics Criteria. Collection method: clinical testing. Allele origin: germline.

Genetic Services Laboratory, University of Chicago
Classification: Uncertain significance. Last evaluated: 2013-08-27. Review status: criteria provided, single submitter. Criteria: ACMG Guidelines, 2007. Collection method: clinical testing. Allele origin: germline. Inheritance: Autosomal dominant inheritance.

PreventionGenetics, part of Exact Sciences
Classification: Likely benign for SCN9A-related condition. Last evaluated: 2023-03-14. Review status: no assertion criteria provided. Collection method: clinical testing. Allele origin: germline. Not counted in ClinVar's aggregate classification.
Comment: This variant is classified as likely benign based on ACMG/AMP sequence variant interpretation guidelines (Richards et al. 2015 PMID: 25741868, with internal and published modifications).

Literature cited by the submitters: PubMed 26392352 (cited by Women's Health and Genetics/Laboratory Corporation of America, LabCorp).